The following is an entry in ClinVar:

ClinVar aggregate classification (germline): Likely benign. Review status: criteria provided, multiple submitters, no conflicts (2 of 4 stars). 5 submissions from 5 submitters: Likely benign (5). Last evaluated 2026-07-30.

Conditions:
SCNN1A-related disorder. Also called: SCNN1A-related condition; SCNN1A-related disorders.

Allele frequency attached by ClinVar (database versions not stated): gnomAD exomes 0.00030; ExAC 0.00042; ESP Exome Variant Server 0.00123; gnomAD 0.00135 and 0.00145; TOPMed 0.00150; 1000 Genomes Project 30x 0.00172; 1000 Genomes Project 0.00180.
gnomAD v4.1: 393 of 1,614,076 alleles (0.024%); highest among the groups gnomAD compares: African/African-American, 0.37%; no homozygotes.

Submissions (5):

PreventionGenetics, part of Exact Sciences
Classification: Likely benign for SCNN1A-related condition. Last evaluated: 2026-07-30. Review status: criteria provided, single submitter. Criteria: ACMG Guidelines, 2015. Collection method: clinical testing. Allele origin: germline.
Comment: This variant is classified as likely benign based on ACMG/AMP sequence variant interpretation guidelines (Richards et al. 2015 PMID: 25741868, with internal and published modifications).

Labcorp Genetics (formerly Invitae), Labcorp
Classification: Likely benign. Last evaluated: 2025-10-21. Review status: criteria provided, single submitter. Criteria: Invitae Variant Classification Sherloc (09022015). Collection method: clinical testing. Allele origin: germline.

Mayo Clinic Laboratories, Mayo Clinic
Classification: Likely benign. Last evaluated: 2025-08-22. Review status: criteria provided, single submitter. Criteria: ACMG Guidelines, 2015. Collection method: clinical testing. Allele origin: germline. Observed: 1 variant allele.
Comment: BS1, BP4

Laboratory for Molecular Medicine, Mass General Brigham Personalized Medicine
Classification: Likely benign. Last evaluated: 2016-01-14. Review status: criteria provided, single submitter. Criteria: LMM Criteria. Collection method: clinical testing. Allele origin: germline. Observed: 3 variant alleles.
Comment: c.593+3C>T in intron 1 of SCNN1A: This variant is not expected to have clinical significance because it has been identified in 0.3% (36/10000) of African chromo somes by the Exome Aggregation Consortium (ExAC; dbSNP rs181894737).

Breakthrough Genomics
Classification: Likely benign. Review status: criteria provided, single submitter. Criteria: ACMG Guidelines, 2015. Collection method: not provided. Allele origin: germline. Inheritance: Autosomal recessive inheritance. Affected: yes.

NM_001038.6(SCNN1A):c.416+3C>T

Gene: SCNN1A (sodium channel epithelial 1 subunit alpha; minus strand). Cytogenetic location: 12p13.31.
Variant type: single nucleotide variant.
Coding change: c.416+3C>T on transcript NM_001038.6 (MANE Select); 3 bases into the intron after coding-DNA position 416, C replaced by T.
Molecular consequence: intron variant.
Genome position (GRCh38, 1-based): chr12:6,374,365, G>A on the plus strand (C>T on the coding strand, the complement: SCNN1A is on the minus strand). VCF-style: chr12-6374365-G-A. GRCh37 (hg19) VCF-style: chr12-6483531-G-A.
Other names: p.?; c.485+3C>T (NM_001159575.2); c.593+3C>T (NM_001159576.2).
Identifiers: ClinVar variation 165166 (VCV000165166.17), dbSNP rs181894737, ClinGen allele CA177876.